The following is an entry in ClinVar:

ClinVar aggregate classification (germline): Uncertain significance. Review status: criteria provided, multiple submitters, no conflicts (2 of 4 stars). 2 submissions from 2 submitters: Uncertain significance (2). Last evaluated 2025-01-03.

Conditions:
Lafora disease. Also called: Epilepsy progressive myoclonic 2; Progressive Myoclonus Epilepsy, Lafora Type. Identifiers: Orphanet 501, MedGen C0751783, MONDO:0009697.

Allele frequency attached by ClinVar (database versions not stated): gnomAD exomes below 0.00001.
gnomAD v4.1: 1 of 1,614,242 alleles (0.000062%); highest among the groups gnomAD compares: Non-Finnish European, 0.000085%; no homozygotes.

Submissions (2):

Broad Center for Mendelian Genomics, Broad Institute of MIT and Harvard
Classification: Uncertain significance for Lafora disease. Last evaluated: 2025-01-03. Review status: criteria provided, single submitter. Criteria: ACMG Guidelines, 2015. Collection method: curation. Allele origin: germline. Inheritance: Autosomal recessive inheritance.
Comment: The p.Asp306Val variant in EPM2A has been reported in 1 individual with Lafora disease (DOI 10.1186/s42466-019-0040-2), and has been identified in 0.0000009% (1/1112012) of European (non-Finnish) chromosomes by the Genome Aggregation Database (gnomAD; dbSNP rs1064797330). Although this variant has been seen in the general population in a heterozygous state, its frequency is low enough to be consistent with a recessive carrier frequency. This variant has also been reported in ClinVar (Variation ID: 425396) and has been interpreted as a variant of uncertain significance by CeGaT Center for Human Genetics Tuebingen. Computational prediction tools and conservation analyses suggest that this variant may impact the protein, though this information is not predictive enough to determine pathogenicity. In summary, the clinical significance of the p.Asp306Val variant is uncertain. ACMG/AMP Criteria applied: PP3_moderate, PM2_supporting (Richards 2015).

CeGaT Center for Human Genetics Tuebingen
Classification: Uncertain significance. Last evaluated: 2018-10-01. Review status: criteria provided, single submitter. Criteria: CeGaT Center For Human Genetics Tuebingen Variant Classification Criteria Version 2. Collection method: clinical testing. Allele origin: germline. Affected: yes. Observed: 2 variant alleles.

NM_005670.4(EPM2A):c.917A>T (p.Asp306Val)

Gene: EPM2A (EPM2A glucan phosphatase, laforin; minus strand). Cytogenetic location: 6q24.3.
Variant type: single nucleotide variant.
Coding change: c.917A>T on transcript NM_005670.4 (MANE Select); coding-DNA position 917, A replaced by T.
Protein change: p.Asp306Val; replaces aspartic acid 306 with valine.
Molecular consequence: missense variant. On other transcripts: stop lost (1), non-coding transcript variant (1).
Genome position (GRCh38, 1-based): chr6:145,627,495, T>A on the plus strand (A>T on the coding strand, the complement: EPM2A is on the minus strand). VCF-style: chr6-145627495-T-A. GRCh37 (hg19) VCF-style: chr6-145948631-T-A.
Other names: *225C; NM_005670.4(EPM2A):c.917A>T; p.Asp306Val; c.917A>T, p.Asp306Val (NM_001018041.2); c.675A>T, p.Ter225Cys (NM_001360057.2); c.503A>T, p.Asp168Val (NM_001360064.2, NM_001360071.2, NM_001368131.1); c.455A>T, p.Asp152Val (NM_001368129.2, NM_001368132.1); short protein forms D306V, D152V, D168V.
Identifiers: ClinVar variation 425396 (VCV000425396.44), dbSNP rs1064797330, ClinGen allele CA16621849.